The following is an entry in ClinVar:

NM_019892.6(INPP5E):c.1664C>T (p.Thr555Met)

Gene: INPP5E (inositol polyphosphate-5-phosphatase E; minus strand). Cytogenetic location: 9q34.3.
Variant type: single nucleotide variant.
Coding change: c.1664C>T on transcript NM_019892.6 (MANE Select); coding-DNA position 1664, C replaced by T.
Protein change: p.Thr555Met; replaces threonine 555 with methionine.
Molecular consequence: missense variant.
Genome position (GRCh38, 1-based): chr9:136,431,003, G>A on the plus strand (C>T on the coding strand, the complement: INPP5E is on the minus strand). VCF-style: chr9-136431003-G-A. GRCh37 (hg19) VCF-style: chr9-139325455-G-A.
Other names: c.1661C>T, p.Thr554Met (NM_001318502.2); short protein forms T554M, T555M.
Identifiers: ClinVar variation 1007579 (VCV001007579.7), dbSNP rs761578787, ClinGen allele CA5336704.

ClinVar aggregate classification (germline): Uncertain significance (1 of 4 stars; one submission).

Conditions:
Joubert syndrome. Also called: Familial aplasia of the vermis; CEREBELLOPARENCHYMAL DISORDER IV; JOUBERT-BOLTSHAUSER SYNDROME. Identifiers: Orphanet 475, MedGen C5979921, MONDO:0018772.

Allele frequency attached by ClinVar (database versions not stated): gnomAD exomes below 0.00001; ExAC 0.00001.
gnomAD v4.1: 1 of 1,598,394 alleles (0.000063%); highest among the groups gnomAD compares: Non-Finnish European, 0.000086%; no homozygotes.

Submission:

Labcorp Genetics (formerly Invitae), Labcorp
Classification: Uncertain significance for Joubert syndrome. Last evaluated: 2022-08-10. Review status: criteria provided, single submitter. Criteria: Invitae Variant Classification Sherloc (09022015). Collection method: clinical testing. Allele origin: germline.
Comment: In summary, the available evidence is currently insufficient to determine the role of this variant in disease. Therefore, it has been classified as a Variant of Uncertain Significance. Algorithms developed to predict the effect of sequence changes on RNA splicing suggest that this variant may disrupt the consensus splice site. Algorithms developed to predict the effect of missense changes on protein structure and function are either unavailable or do not agree on the potential impact of this missense change (SIFT: "Deleterious"; PolyPhen-2: "Probably Damaging"; Align-GVGD: "Class C0"). ClinVar contains an entry for this variant (Variation ID: 1007579). This variant has not been reported in the literature in individuals affected with INPP5E-related conditions. This variant is present in population databases (rs761578787, gnomAD 0.003%). This sequence change replaces threonine, which is neutral and polar, with methionine, which is neutral and non-polar, at codon 555 of the INPP5E protein (p.Thr555Met).